The following is an entry in ClinVar:

ClinVar aggregate classification (germline): Conflicting classifications of pathogenicity. Review status: criteria provided, conflicting classifications (1 of 4 stars). 6 submissions from 6 submitters: Uncertain significance (3); Likely benign (3). Last evaluated 2026-01-02.

Conditions:
Inflammatory bowel disease 28. Also called: Inflammatory bowel disease 28, early onset, autosomal recessive. Identifiers: Orphanet 238569, MedGen C2751053, MONDO:0013153, OMIM 613148.

Allele frequency attached by ClinVar (database versions not stated): gnomAD 0.00023; ESP Exome Variant Server 0.00031; gnomAD exomes 0.00031 and 0.00048; TOPMed 0.00034; ExAC 0.00040.

Submissions (6):

Labcorp Genetics (formerly Invitae), Labcorp
Classification: Likely benign for Inflammatory bowel disease 28. Last evaluated: 2026-01-02. Review status: criteria provided, single submitter. Criteria: Invitae Variant Classification Sherloc (09022015). Collection method: clinical testing. Allele origin: germline.

Blueprint Genetics
Classification: Likely benign. Last evaluated: 2024-11-13. Review status: criteria provided, single submitter. Criteria: ACMG Guidelines, 2015. Collection method: clinical testing. Allele origin: germline.

CeGaT Center for Human Genetics Tuebingen
Classification: Likely benign. Last evaluated: 2023-10-01. Review status: criteria provided, single submitter. Criteria: CeGaT Center For Human Genetics Tuebingen Variant Classification Criteria Version 2. Collection method: clinical testing. Allele origin: germline. Affected: yes. Observed: 3 variant alleles.
Comment: IL10RA: BP4

Illumina Laboratory Services, Illumina
Classification: Uncertain significance for Inflammatory bowel disease 28. Last evaluated: 2018-01-12. Review status: criteria provided, single submitter. Criteria: ICSL Variant Classification Criteria 13 December 2019. Collection method: clinical testing. Allele origin: germline.

GeneDx
Classification: Uncertain significance. Last evaluated: 2017-09-27. Review status: criteria provided, single submitter. Criteria: GeneDx Variant Classification (06012015). Collection method: clinical testing. Allele origin: germline. Affected: yes.
Comment: The R261W variant in the IL10RA gene has not been reported previously as a pathogenic variant, nor as a benign variant, to our knowledge. This variant is observed in 43/10,152 alleles (0.4%) from individuals of Ashkenazi Jewish background, and 117/276,954 global alleles (0.04%), in large population cohorts (Lek et al., 2016). The R261W variant is a non-conservative amino acid substitution, which is likely to impact secondary protein structure as these residues differ in polarity, charge, size and/or other properties. This substitution occurs at a position where amino acids with similar properties to Arginine are tolerated across species. However, in silico analysis is inconsistent in its predictions as to whether or not the variant is damaging to the protein structure/function. The R261W variant is reported as a variant of uncertain significance in ClinVar by different clinical laboratories, but additional evidence is not available (ClinVar SCV000297101.2, SCV000367434.2; Landrum et al., 2016). We also interpret R261W as a variant of uncertain significance.

Genomic Diagnostic Laboratory, Division of Genomic Diagnostics, Children's Hospital of Philadelphia
Classification: Uncertain significance. Last evaluated: 2015-10-04. Review status: criteria provided, single submitter. Criteria: DGD Variant Analysis Guidelines. Collection method: clinical testing. Allele origin: unknown.

NM_001558.4(IL10RA):c.781C>T (p.Arg261Trp)

Gene: IL10RA (interleukin 10 receptor subunit alpha; plus strand). Cytogenetic location: 11q23.3.
Variant type: single nucleotide variant.
Coding change: c.781C>T on transcript NM_001558.4 (MANE Select); coding-DNA position 781, C replaced by T.
Protein change: p.Arg261Trp; replaces arginine 261 with tryptophan.
Molecular consequence: missense variant. On other transcripts: non-coding transcript variant (1).
Genome position (GRCh38, 1-based): chr11:117,995,681, C>T. VCF-style: chr11-117995681-C-T. GRCh37 (hg19) VCF-style: chr11-117866396-C-T.
Other names: short protein forms R261W.
Identifiers: ClinVar variation 252589 (VCV000252589.43), dbSNP rs201396764, ClinGen allele CA6299045.